The following is an entry in ClinVar:

NM_005219.5(DIAPH1):c.280G>C (p.Val94Leu)

Gene: DIAPH1 (diaphanous related formin 1; minus strand). Cytogenetic location: 5q31.3.
Variant type: single nucleotide variant.
Coding change: c.280G>C on transcript NM_005219.5 (MANE Select); coding-DNA position 280, G replaced by C.
Protein change: p.Val94Leu; replaces valine 94 with leucine.
Molecular consequence: missense variant.
Genome position (GRCh38, 1-based): chr5:141,587,062, C>G on the plus strand (G>C on the coding strand, the complement: DIAPH1 is on the minus strand). VCF-style: chr5-141587062-C-G. GRCh37 (hg19) VCF-style: chr5-140966629-C-G.
Other names: c.280G>C (NM_005219.4); c.253G>C, p.Val85Leu (NM_001079812.3); c.280G>C, p.Val94Leu (NM_001314007.2); short protein forms V85L, V94L.
Identifiers: ClinVar variation 1419218 (VCV001419218.9), dbSNP rs757339076, ClinGen allele CA3479651.
Genomic context (GRCh38, chr5:141,587,062, plus strand): 5'-TGCACAGGAAGAAGCAACATTTTGGGAATGGGAAACTTACCAGCATCTGTTCAAAGAGAA[C>G]CAGCACTTGTTCATCTGAAACATCTTGCAATGACTGTGCTGTGGGATCATCCCCATATGA-3'
Protein context (NP_005210.3, residues 84-104): LQDVSDEQVL[Val94Leu]LFEQMLLDMN

ClinVar aggregate classification (germline): Uncertain significance. Review status: criteria provided, multiple submitters, no conflicts (2 of 4 stars). 2 submissions from 2 submitters: Uncertain significance (2). Last evaluated 2025-06-18.

Conditions:
Autosomal dominant nonsyndromic hearing loss 1. Also called: KONIGSMARK SYNDROME; DEAFNESS, AUTOSOMAL DOMINANT 1, WITH OR WITHOUT THROMBOCYTOPENIA. Identifiers: Orphanet 90635, MedGen C1852282, MONDO:0007424, OMIM 124900.
Progressive microcephaly-seizures-cortical blindness-developmental delay syndrome. Also called: Seizures, cortical blindness, and microcephaly syndrome. Identifiers: Orphanet 477814, MedGen C5567650, MONDO:0014714, OMIM 616632.
Inborn genetic diseases. Identifiers: MedGen C0950123, MeSH D030342.

Allele frequency attached by ClinVar (database versions not stated): gnomAD exomes below 0.00001 and 0.00002; ExAC 0.00002; gnomAD 0.00004; TOPMed 0.00006.
gnomAD v4.1: 10 of 1,614,010 alleles (0.00062%); highest among the groups gnomAD compares: African/African-American, 0.008%; no homozygotes.

Submissions (2):

Labcorp Genetics (formerly Invitae), Labcorp
Classification: Uncertain significance for Progressive microcephaly-seizures-cortical blindness-developmental delay syndrome; Autosomal dominant nonsyndromic hearing loss 1. Last evaluated: 2025-06-18. Review status: criteria provided, single submitter. Criteria: Invitae Variant Classification Sherloc (09022015). Collection method: clinical testing. Allele origin: germline.
Comment: This sequence change replaces valine, which is neutral and non-polar, with leucine, which is neutral and non-polar, at codon 94 of the DIAPH1 protein (p.Val94Leu). This variant is present in population databases (rs757339076, gnomAD 0.02%). This variant has not been reported in the literature in individuals affected with DIAPH1-related conditions. ClinVar contains an entry for this variant (Variation ID: 1419218). Experimental studies and prediction algorithms are not available or were not evaluated, and the functional significance of this variant is currently unknown. In summary, the available evidence is currently insufficient to determine the role of this variant in disease. Therefore, it has been classified as a Variant of Uncertain Significance.

Ambry Genetics
Classification: Uncertain significance for Inborn genetic diseases. Last evaluated: 2021-10-21. Review status: criteria provided, single submitter. Criteria: Ambry Variant Classification Scheme 2023. Collection method: clinical testing. Allele origin: germline.